The following is an entry in ClinVar:

ClinVar aggregate classification (germline): Conflicting classifications of pathogenicity. Review status: criteria provided, conflicting classifications (1 of 4 stars). 3 submissions from 3 submitters: Likely pathogenic (1); Uncertain significance (2). Last evaluated 2025-04-30.

Submissions (3):

Women's Health and Genetics/Laboratory Corporation of America, LabCorp
Classification: Uncertain significance. Last evaluated: 2025-04-30. Review status: criteria provided, single submitter. Criteria: LabCorp Variant Classification Summary - May 2015. Collection method: clinical testing. Allele origin: germline.
Comment: Variant summary: USH1G c.251T>C (p.Leu84Pro) results in a non-conservative amino acid change in the encoded protein sequence. Five of five in-silico tools predict a damaging effect of the variant on protein function. The variant was absent in 251306 control chromosomes. c.251T>C has been observed in at least one homozygous individual affected with Usher Syndrome (e.g. Shearer_2013, Stone_2017). These data indicate that the variant may be associated with disease. To our knowledge, no experimental evidence demonstrating an impact on protein function has been reported. The following publications have been ascertained in the context of this evaluation (PMID: 23804846, 28559085). ClinVar contains an entry for this variant (Variation ID: 48129). Based on the evidence outlined above, the variant was classified as VUS-possibly pathogenic.

Labcorp Genetics (formerly Invitae), Labcorp
Classification: Likely pathogenic. Last evaluated: 2025-04-17. Review status: criteria provided, single submitter. Criteria: Invitae Variant Classification Sherloc (09022015). Collection method: clinical testing. Allele origin: germline.
Comment: This sequence change replaces leucine, which is neutral and non-polar, with proline, which is neutral and non-polar, at codon 84 of the USH1G protein (p.Leu84Pro). This variant is not present in population databases (gnomAD no frequency). This missense change has been observed in individual(s) with clinical features of USH1G-related conditions (PMID: 23804846, 28559085). ClinVar contains an entry for this variant (Variation ID: 48129). Invitae Evidence Modeling of protein sequence and biophysical properties (such as structural, functional, and spatial information, amino acid conservation, physicochemical variation, residue mobility, and thermodynamic stability) indicates that this missense variant is expected to disrupt USH1G protein function with a positive predictive value of 80%. In summary, the currently available evidence indicates that the variant is pathogenic, but additional data are needed to prove that conclusively. Therefore, this variant has been classified as Likely Pathogenic.

Laboratory for Molecular Medicine, Mass General Brigham Personalized Medicine
Classification: Uncertain significance. Last evaluated: 2011-03-08. Review status: criteria provided, single submitter. Criteria: LMM Criteria. Collection method: clinical testing. Allele origin: germline. Observed: 3 variant alleles.
Comment: The Leu84Pro variant in USH1G has not been reported in the literature nor previo usly identified by our laboratory. This residue is conserved across species and computational analyses (PolyPhen2, SIFT, AlignGVGD, MAPP) suggest that the Leu84 Pro variant may impact the protein. However, this information is not predictive enough to assume pathogenicity. In summary, the clinical significance of this va riant cannot be determined with certainty at this time.

Literature cited by the submitters: PubMed 28559085 (cited by Women's Health and Genetics/Laboratory Corporation of America, LabCorp and Labcorp Genetics (formerly Invitae), Labcorp); PubMed 23804846 (cited by Women's Health and Genetics/Laboratory Corporation of America, LabCorp and Labcorp Genetics (formerly Invitae), Labcorp).

NM_173477.5(USH1G):c.251T>C (p.Leu84Pro)

Gene: USH1G (USH1 protein network component sans; minus strand). Cytogenetic location: 17q25.1.
Variant type: single nucleotide variant.
Coding change: c.251T>C on transcript NM_173477.5 (MANE Select); coding-DNA position 251, T replaced by C.
Protein change: p.Leu84Pro; replaces leucine 84 with proline.
Molecular consequence: missense variant. On other transcripts: 5 prime UTR variant (1).
Genome position (GRCh38, 1-based): chr17:74,920,585, A>G on the plus strand (T>C on the coding strand, the complement: USH1G is on the minus strand). VCF-style: chr17-74920585-A-G. GRCh37 (hg19) VCF-style: chr17-72916680-A-G.
Other names: c.-59T>C (NM_001282489.3); short protein forms L84P.
Identifiers: ClinVar variation 48129 (VCV000048129.10), dbSNP rs397517927, ClinGen allele CA142650.